The following is an entry in ClinVar:

NM_002110.5(HCK):c.192T>C (p.Asn64=)

Gene: HCK (HCK proto-oncogene, Src family tyrosine kinase; plus strand). Cytogenetic location: 20q11.21.
Variant type: single nucleotide variant.
Coding change: c.192T>C on transcript NM_002110.5 (MANE Select); coding-DNA position 192, T replaced by C.
Protein change: p.Asn64=; no amino-acid change (asparagine 64 retained).
Molecular consequence: synonymous variant.
Genome position (GRCh38, 1-based): chr20:32,073,327, T>C. VCF-style: chr20-32073327-T-C. GRCh37 (hg19) VCF-style: chr20-30661130-T-C.
Other names: c.129T>C, p.Asn43= (NM_001172129.3, NM_001172131.3, NM_001172133.3); c.192T>C, p.Asn64= (NM_001172130.3); c.132T>C, p.Asn44= (NM_001172132.3).
Identifiers: ClinVar variation 3239003 (VCV003239003.20), dbSNP rs34513177.

ClinVar aggregate classification (germline): Benign. Review status: criteria provided, multiple submitters, no conflicts (2 of 4 stars). 2 submissions from 2 submitters: Benign (2). Last evaluated 2026-09-01.

Allele frequency attached by ClinVar (database versions not stated): 1000 Genomes Project 0.00539; 1000 Genomes Project 30x 0.00625; gnomAD exomes 0.00807; gnomAD 0.00979; ESP Exome Variant Server 0.01061; TOPMed 0.01065; ExAC 0.01081.
gnomAD v4.1: 13,489 of 1,611,380 alleles (0.84%); highest among the groups gnomAD compares: Middle Eastern, 1.6%; 77 homozygotes.

Submissions (2):

CeGaT Center for Human Genetics Tuebingen
Classification: Benign. Last evaluated: 2026-09-01. Review status: criteria provided, single submitter. Criteria: CeGaT Center For Human Genetics Tuebingen Variant Classification Criteria Version 2. Collection method: clinical testing. Allele origin: germline. Affected: yes. Observed: 7 variant alleles.
Comment: HCK: BP4, BP7, BS1, BS2

Women's Health and Genetics/Laboratory Corporation of America, LabCorp
Classification: Benign. Last evaluated: 2026-01-22. Review status: criteria provided, single submitter. Criteria: LabCorp Variant Classification Summary - May 2015. Collection method: clinical testing. Allele origin: germline.